The following is an entry in ClinVar:

ClinVar aggregate classification (germline): Benign/Likely benign. Review status: criteria provided, multiple submitters, no conflicts (2 of 4 stars). 25 submissions from 25 submitters: Benign (6); Likely benign (12). 7 of the submissions do not count toward it. Last evaluated 2026-09-01.
ClinVar aggregate classification (oncogenicity): Benign (1 of 4 stars; one submission).

Conditions:
Hereditary cancer-predisposing syndrome. Also called: Neoplastic Syndromes, Hereditary; Tumor predisposition; Hereditary Cancer Syndrome; Hereditary neoplastic syndrome. Identifiers: Orphanet 140162, MedGen C0027672, MeSH D009386, MONDO:0015356.
Colorectal cancer, susceptibility to, 12 (CRCS12). Also called: COLORECTAL CANCER, SUSCEPTIBILITY TO, ON CHROMOSOME 12q24. Identifiers: Orphanet 220460, MedGen C3554460, MONDO:0014038, OMIM 615083.
Carcinoma of colon (CRC). Also called: Colonic carcinoma; Colon carcinoma. Identifiers: MedGen C0699790, MONDO:0002032.
Neoplasm. Also called: tumor; Neoplasms; Neoplasm (disease). Identifiers: MedGen C0027651, MeSH D009369, MONDO:0005070, HP:0002664.

Allele frequency attached by ClinVar (database versions not stated): 1000 Genomes Project 30x 0.00281; 1000 Genomes Project 0.00300; gnomAD exomes 0.00522 and 0.00983; ExAC 0.00529; TOPMed 0.00574; gnomAD 0.00587 and 0.00604; ESP Exome Variant Server 0.00738.
gnomAD v4.1: 15,171 of 1,613,816 alleles (0.94%); highest among the groups gnomAD compares: Non-Finnish European, 1.2%; 97 homozygotes.

Submissions (26):

Center for Genomic Medicine, Rigshospitalet, Copenhagen University Hospital
Classification: Benign for Neoplasm. Last evaluated: 2026-10-16. Review status: criteria provided, single submitter. Criteria: ClinGen/CGC/VICC Guidelines for Oncogenicity, 2022. Collection method: clinical testing. Allele origin: somatic. Affected: yes.

CeGaT Center for Human Genetics Tuebingen
Classification: Likely benign. Last evaluated: 2026-09-01. Review status: criteria provided, single submitter. Criteria: CeGaT Center For Human Genetics Tuebingen Variant Classification Criteria Version 2. Collection method: clinical testing. Allele origin: germline. Affected: yes. Observed: 63 variant alleles.
Comment: POLE: PM5, BS1, BS2

Labcorp Genetics (formerly Invitae), Labcorp
Classification: Benign. Last evaluated: 2026-02-04. Review status: criteria provided, single submitter. Criteria: Invitae Variant Classification Sherloc (09022015). Collection method: clinical testing. Allele origin: germline.

ARUP Laboratories, Molecular Genetics and Genomics, ARUP Laboratories
Classification: Likely benign. Last evaluated: 2025-05-28. Review status: criteria provided, single submitter. Criteria: ARUP Molecular Germline Variant Investigation Process 2024. Collection method: clinical testing. Allele origin: germline.

Center for Genomic Medicine, Rigshospitalet, Copenhagen University Hospital
Classification: Benign. Last evaluated: 2025-03-04. Review status: criteria provided, single submitter. Criteria: ACMG Guidelines, 2015. Collection method: clinical testing. Allele origin: germline.

Blueprint Genetics
Classification: Likely benign. Last evaluated: 2024-11-26. Review status: criteria provided, single submitter. Criteria: ACMG Guidelines, 2015. Collection method: clinical testing. Allele origin: germline.

Mayo Clinic Laboratories, Mayo Clinic
Classification: Benign. Last evaluated: 2023-06-08. Review status: criteria provided, single submitter. Criteria: ACMG Guidelines, 2015. Collection method: clinical testing. Allele origin: germline. Observed: 10 variant alleles.
Comment: BS1, BS2, BP4

Clinical Genetics Laboratory, Skane University Hospital Lund
Classification: Likely benign. Last evaluated: 2022-05-27. Review status: criteria provided, single submitter. Criteria: ACMG Guidelines, 2015. Collection method: clinical testing. Allele origin: germline. Affected: yes.

GeneDx
Classification: Likely benign. Last evaluated: 2021-06-09. Review status: criteria provided, single submitter. Criteria: GeneDx Variant Classification Process June 2021. Collection method: clinical testing. Allele origin: germline. Affected: yes.
Comment: This variant is associated with the following publications: (PMID: 24525744, 22573403, 24480973, 29458332)

Sema4
Classification: Likely benign for Hereditary cancer-predisposing syndrome. Last evaluated: 2021-03-18. Review status: criteria provided, single submitter. Criteria: Sema4 Curation Guidelines. Collection method: curation. Allele origin: germline.

Women's Health and Genetics/Laboratory Corporation of America, LabCorp
Classification: Benign. Last evaluated: 2021-01-30. Review status: criteria provided, single submitter. Criteria: LabCorp Variant Classification Summary - May 2015. Collection method: clinical testing. Allele origin: germline.
Comment: Variant summary: POLE c.776G>A (p.Arg259His) results in a non-conservative amino acid change in the encoded protein sequence. Three of five in-silico tools predict a benign effect of the variant on protein function. The variant allele was found at a frequency of 0.0052 in 251450 control chromosomes in the gnomAD database, including 8 homozygotes. The observed variant frequency is approximately 367 fold of the estimated maximal expected allele frequency for a pathogenic variant in POLE causing Colorectal Cancer phenotype (1.4e-05), strongly suggesting that the variant is benign. To our knowledge, no occurrence of c.776G>A in individuals affected with POLE associated Colorectal Cancer and no experimental evidence demonstrating its impact on protein function have been reported. Twelve clinical diagnostic laboratories have submitted clinical-significance assessments for this variant to ClinVar after 2014 without evidence for independent evaluation. All laboratories classified the variant as benign/likely benign. Based on the evidence outlined above, the variant was classified as benign.

Genetics and Molecular Pathology, SA Pathology
Classification: Likely benign for Colorectal cancer, susceptibility to, 12. Last evaluated: 2019-11-14. Review status: criteria provided, single submitter. Criteria: ACMG Guidelines, 2015. Collection method: clinical testing. Allele origin: germline.

Mendelics
Classification: Likely benign for Colorectal cancer, susceptibility to, 12. Last evaluated: 2019-05-28. Review status: criteria provided, single submitter. Criteria: Mendelics Assertion Criteria 2017. Collection method: clinical testing. Allele origin: unknown.

Genetic Services Laboratory, University of Chicago
Classification: Benign. Last evaluated: 2019-04-20. Review status: criteria provided, single submitter. Criteria: ACMG Guidelines, 2015. Collection method: clinical testing. Allele origin: germline. Affected: no.

Quest Diagnostics Nichols Institute San Juan Capistrano
Classification: Likely benign. Last evaluated: 2017-05-31. Review status: criteria provided, single submitter. Criteria: Quest Diagnostics criteria. Collection method: clinical testing. Allele origin: germline.

PreventionGenetics, part of Exact Sciences
Classification: Benign. Last evaluated: 2017-01-30. Review status: criteria provided, single submitter. Criteria: ACMG Guidelines, 2015. Collection method: clinical testing. Allele origin: germline.

Center for Pediatric Genomic Medicine, Children's Mercy Hospital and Clinics
Classification: Likely benign. Last evaluated: 2017-01-06. Review status: criteria provided, single submitter. Criteria: ACMG Guidelines, 2015. Collection method: clinical testing. Allele origin: germline.
ClinVar note: Converted during submission from Likely Benign to Likely benign.

Ambry Genetics
Classification: Likely benign for Hereditary cancer-predisposing syndrome. Last evaluated: 2015-06-19. Review status: criteria provided, single submitter. Criteria: Ambry Variant Classification Scheme 2023. Collection method: clinical testing. Allele origin: germline.

Breakthrough Genomics
Classification: Likely benign. Review status: criteria provided, single submitter. Criteria: ACMG Guidelines, 2015. Collection method: not provided. Allele origin: germline. Inheritance: Autosomal recessive inheritance. Affected: yes.

True Health Diagnostics
Classification: Likely benign for Hereditary cancer-predisposing syndrome. Last evaluated: 2017-11-17. Review status: no assertion criteria provided. Collection method: clinical testing. Allele origin: germline. Not counted in ClinVar's aggregate classification.

Counsyl
Classification: Likely benign for Colorectal cancer, susceptibility to, 12. Last evaluated: 2016-08-23. Review status: no assertion criteria provided. Collection method: clinical testing. Allele origin: unknown. Not counted in ClinVar's aggregate classification.

Clinical Genetics, Academic Medical Center
Classification: Likely benign. Review status: no assertion criteria provided. Collection method: clinical testing. Allele origin: germline. Affected: yes. Study: VKGL Data-share Consensus. Not counted in ClinVar's aggregate classification.

Department of Pathology and Laboratory Medicine, Sinai Health System
Classification: Likely benign for Carcinoma of colon. Review status: no assertion criteria provided. Collection method: clinical testing. Allele origin: unknown. Affected: yes. Observed: 2 variant alleles. Study: The Canadian Open Genetics Repository (COGR). Not counted in ClinVar's aggregate classification.
Comment: The POLE p.Arg259His variant was identified in 1 of 104 proband chromosomes (frequency: 0.01) from individuals or families with colon cancer (Kane 2014). The variant was identified in dbSNP (ID: rs61732929) as With other allele, ClinVar (1x as benign by Invitae; 5x as likely benign by Counsyl, GeneDx, Ambry Genetics, Childrenâ€šÃ„Ã´s Mercy Hospital, and Quest Diagnostics Nichols Institute San Juan Capistrano; and 1x as uncertain significance by University of Chicago), Cosmic, and MutDB. The variant was identified in control databases in 1459 of 277200 chromosomes (8 homozygous) at a frequency of 0.005, increasing the likelihood this could be a low frequency benign variant (Genome Aggregation Database Feb 27, 2017). The variant was seen in the following populations: African in 55 of 24024 chromosomes (freq: 0.002), Other in 24 of 6466 chromosomes (freq: 0.004), Latino in 81 of 34418 chromosomes (freq: 0.002), European Non-Finnish in 1184 of 126702 chromosomes (freq: 0.01), East Asian in 10 of 18868 chromosomes (freq: 0.0005), Finnish in 89 of 25790 chromosomes (freq: 0.003), and South Asian in 16 of 30780 chromosomes (freq: 0.0005), while the variant was not observed in the Ashkenazi Jewish population. The p.Arg259 residue is conserved in mammals but not in more distantly related organisms; however, 4 of 5 computational analyses (PolyPhen-2, SIFT, AlignGVGD, BLOSUM, MutationTaster) do not suggest a high likelihood of impact to the protein; this information is not predictive enough to rule out pathogenicity. The variant occurs outside of the splicing consensus sequence and in silico or computational prediction software programs (SpliceSiteFinder, MaxEntScan, NNSPLICE, GeneSplicer, HumanSpliceFinder) do not predict a difference in splicing. In summary, based on the above information, the clinical significance of this variant cannot be determined with certainty at this time although we would lean towards a more benign role for this variant. This variant is classified as likely benign.

Genome Diagnostics Laboratory, Amsterdam University Medical Center
Classification: Likely benign. Review status: no assertion criteria provided. Collection method: clinical testing. Allele origin: germline. Affected: yes. Study: VKGL Data-share Consensus. Not counted in ClinVar's aggregate classification.

Genome Diagnostics Laboratory, University Medical Center Utrecht
Classification: Likely benign. Review status: no assertion criteria provided. Collection method: clinical testing. Allele origin: germline. Affected: yes. Study: VKGL Data-share Consensus. Not counted in ClinVar's aggregate classification.

Laboratory of Diagnostic Genome Analysis, Leiden University Medical Center (LUMC)
Classification: Likely benign. Review status: no assertion criteria provided. Collection method: clinical testing. Allele origin: germline. Affected: yes. Study: VKGL Data-share Consensus. Not counted in ClinVar's aggregate classification.

Literature cited by the submitters: PubMed 24480973 (cited by Quest Diagnostics Nichols Institute San Juan Capistrano); PubMed 24525744 (cited by Quest Diagnostics Nichols Institute San Juan Capistrano and Counsyl).

NM_006231.4(POLE):c.776G>A (p.Arg259His)

Gene: POLE (DNA polymerase epsilon, catalytic subunit; minus strand). Cytogenetic location: 12q24.33.
Variant type: single nucleotide variant.
Coding change: c.776G>A on transcript NM_006231.4 (MANE Select); coding-DNA position 776, G replaced by A.
Protein change: p.Arg259His; replaces arginine 259 with histidine.
Molecular consequence: missense variant.
Genome position (GRCh38, 1-based): chr12:132,677,388, C>T on the plus strand (G>A on the coding strand, the complement: POLE is on the minus strand). VCF-style: chr12-132677388-C-T. GRCh37 (hg19) VCF-style: chr12-133253974-C-T.
Other names: p.Arg259His; short protein forms R259H.
Identifiers: ClinVar variation 221085 (VCV000221085.96), dbSNP rs61732929, ClinGen allele CA350072.
Genomic context (GRCh38, chr12:132,677,388, plus strand): 5'-AATTTTAGGATGAAGGTAACACAAGCAAAACTTACAGGTCGTTCAACAAGGTCATCTCGG[C>T]GGGTGATTTCTACCGGAAAAGCATTTCCTCGGTATCTGACATTGTACCAATGAGCCTGCA-3'
Protein context (NP_006222.2, residues 249-269): RGNAFPVEIT[Arg259His]RDDLVERPDP